The following is an entry in ClinVar:

ClinVar aggregate classification (germline): Uncertain significance (1 of 4 stars; one submission).

Conditions:
Hereditary cancer-predisposing syndrome. Also called: Neoplastic Syndromes, Hereditary; Tumor predisposition; Hereditary Cancer Syndrome; Hereditary neoplastic syndrome. Identifiers: Orphanet 140162, MedGen C0027672, MeSH D009386, MONDO:0015356.

gnomAD v4.1: 1 of 1,614,072 alleles (0.000062%); no homozygotes.

Submission:

Ambry Genetics
Classification: Uncertain significance for Hereditary cancer-predisposing syndrome. Last evaluated: 2025-10-13. Review status: criteria provided, single submitter. Criteria: Ambry Variant Classification Scheme 2023. Collection method: clinical testing. Allele origin: germline.
Comment: The p.A374S variant (also known as c.1120G>T), located in coding exon 12 of the POLE gene, results from a G to T substitution at nucleotide position 1120. The alanine at codon 374 is replaced by serine, an amino acid with similar properties. This amino acid position is conserved. In addition, this alteration is predicted to be tolerated by in silico analysis. Based on the available evidence, the clinical significance of this variant remains unclear.

NM_006231.4(POLE):c.1120G>T (p.Ala374Ser)

Gene: POLE (DNA polymerase epsilon, catalytic subunit; minus strand). Cytogenetic location: 12q24.33.
Variant type: single nucleotide variant.
Coding change: c.1120G>T on transcript NM_006231.4 (MANE Select); coding-DNA position 1120, G replaced by T.
Protein change: p.Ala374Ser; replaces alanine 374 with serine.
Molecular consequence: missense variant.
Genome position (GRCh38, 1-based): chr12:132,675,504, C>A on the plus strand (G>T on the coding strand, the complement: POLE is on the minus strand). VCF-style: chr12-132675504-C-A. GRCh37 (hg19) VCF-style: chr12-133252090-C-A.
Other names: short protein forms A374S.
Identifiers: ClinVar variation 4670427 (VCV004670427.1).